The following is an entry in ClinVar:

ClinVar aggregate classification (germline): Uncertain significance. Review status: criteria provided, single submitter (1 of 4 stars). 2 submissions from 2 submitters: Uncertain significance (1). 1 of the submissions does not count toward it. Last evaluated 2026-09-11.

Conditions:
Polycystic kidney disease, adult type (PKD1). Also called: POLYCYSTIC KIDNEY DISEASE, ADULT, TYPE I; Polycystic Kidney, Autosomal Dominant; Polycystic Kidney Disease 1, Autosomal Dominant; Polycystic kidney disease 1; Polycystic kidney disease 1, severe; POLYCYSTIC KIDNEY DISEASE 1 WITH OR WITHOUT POLYCYSTIC LIVER DISEASE. Identifiers: MedGen C3149841, MONDO:0008263, OMIM 173900.
PKD1-related disorder. Also called: PKD1-related condition.

Submissions (2):

PreventionGenetics, part of Exact Sciences
Classification: Uncertain significance for PKD1-related condition. Last evaluated: 2026-09-11. Review status: criteria provided, single submitter. Criteria: ACMG Guidelines, 2015. Collection method: clinical testing. Allele origin: germline.
Comment: The PKD1 c.8381T>C variant is predicted to result in the amino acid substitution p.Leu2794Pro. This variant has been reported as uncertain in a study of individuals with autosomal dominant polycystic kidney disease (ADPKD) (Supplemental Table, Lindemann et al. 2023. PubMed ID: 36938073). This variant has not been reported in a large population database (gnomAD), indicating this variant is rare. At this time, the clinical significance of this variant is uncertain due to the absence of conclusive functional and genetic evidence.

Bioscientia Institut fuer Medizinische Diagnostik GmbH, Sonic Healthcare
Classification: Uncertain significance for Polycystic kidney disease, adult type. Last evaluated: 2019-02-21. Review status: no assertion criteria provided. Collection method: clinical testing. Allele origin: germline. Affected: yes. Not counted in ClinVar's aggregate classification.

NM_001009944.3(PKD1):c.8381T>C (p.Leu2794Pro)

Gene: PKD1 (polycystin 1, transient receptor potential channel interacting; minus strand). Cytogenetic location: 16p13.3.
Variant type: single nucleotide variant.
Coding change: c.8381T>C on transcript NM_001009944.3 (MANE Select); coding-DNA position 8381, T replaced by C.
Protein change: p.Leu2794Pro; replaces leucine 2794 with proline.
Molecular consequence: missense variant.
Genome position (GRCh38, 1-based): chr16:2,103,676, A>G on the plus strand (T>C on the coding strand, the complement: PKD1 is on the minus strand). VCF-style: chr16-2103676-A-G. GRCh37 (hg19) VCF-style: chr16-2153677-A-G.
Other names: c.8381T>C, p.Leu2794Pro (NM_000296.4); short protein forms L2794P.
Identifiers: ClinVar variation 635488 (VCV000635488.3), dbSNP rs1596527065, ClinGen allele CA394364294.